The following is an entry in ClinVar:

NM_006439.5(MAB21L2):c.1A>C (p.Met1Leu)

Genes: LRBA (LPS responsive beige-like anchor protein; minus strand), MAB21L2 (mab-21 like 2; plus strand). Cytogenetic location: 4q31.3.
Variant type: single nucleotide variant.
Coding change: c.1A>C on transcript NM_006439.5 (MANE Select); coding-DNA position 1, A replaced by C.
Protein change: p.Met1Leu; changes the start codon (methionine 1).
Molecular consequence: missense variant, initiator codon variant. On other transcripts: intron variant (6).
Genome position (GRCh38, 1-based): chr4:150,583,030, A>C. VCF-style: chr4-150583030-A-C. GRCh37 (hg19) VCF-style: chr4-151504182-A-C.
Other names: c.6330+5018T>G (NM_001367550.1, NM_001199282.3, NM_001364905.1 and 1 more transcripts); c.6363+5018T>G (NM_006726.5, NM_001440430.1); short protein forms M1L.
Identifiers: ClinVar variation 929565 (VCV000929565.3), dbSNP rs1771601609, ClinGen allele CA358601958.

ClinVar aggregate classification (germline): Likely pathogenic (1 of 4 stars; one submission).

Conditions:
Colobomatous microphthalmia-rhizomelic dysplasia syndrome (MCSKS). Also called: Microphthalmia/coloboma and skeletal dysplasia syndrome. Identifiers: Orphanet 424099, MedGen C4014540, MONDO:0014380, OMIM 615877.

Submission:

Genetics Department, University Hospital of Toulouse
Classification: Likely pathogenic for Colobomatous microphthalmia-rhizomelic dysplasia syndrome. Last evaluated: 2020-05-15. Review status: criteria provided, single submitter. Criteria: ACMG Guidelines, 2015. Collection method: clinical testing. Allele origin: germline. Affected: yes. Observed: 1 variant allele.
Comment: This null variant affecting the initiation codon of MAB21L2 gene c.1A>C; p.(Met1?) was never reported in the literature and is absent from GnomAD.